The following is an entry in ClinVar:

ClinVar aggregate classification (germline): Uncertain significance (1 of 4 stars; one submission).

Conditions:
PLXNA3-related disorder. Also called: PLXNA3-related condition.

Allele frequency attached by ClinVar (database versions not stated): gnomAD exomes 0.00001.
gnomAD v4.1: 10 of 1,210,600 alleles (0.00083%); highest among the groups gnomAD compares: Non-Finnish European, 0.001%; no homozygotes.

Submission:

PreventionGenetics, part of Exact Sciences
Classification: Uncertain significance for PLXNA3-related condition. Last evaluated: 2023-01-06. Review status: criteria provided, single submitter. Criteria: ACMG Guidelines, 2015. Collection method: clinical testing. Allele origin: germline.
Comment: The PLXNA3 c.3164G>A variant is predicted to result in the amino acid substitution p.Arg1055Gln. To our knowledge, this variant has not been reported in the literature or in a large population database, indicating this variant is rare. At this time, the clinical significance of this variant is uncertain due to the absence of conclusive functional and genetic evidence.

NM_017514.5(PLXNA3):c.3164G>A (p.Arg1055Gln)

Gene: PLXNA3 (plexin A3; plus strand). Cytogenetic location: Xq28.
Variant type: single nucleotide variant.
Coding change: c.3164G>A on transcript NM_017514.5 (MANE Select); coding-DNA position 3164, G replaced by A.
Protein change: p.Arg1055Gln; replaces arginine 1055 with glutamine.
Molecular consequence: missense variant.
Genome position (GRCh38, 1-based): chrX:154,467,113, G>A. VCF-style: chrX-154467113-G-A. GRCh37 (hg19) VCF-style: chrX-153695456-G-A.
Other names: short protein forms R1055Q.
Identifiers: ClinVar variation 2629838 (VCV002629838.1), dbSNP rs2523085365, ClinGen allele CA415244360.